The following is an entry in ClinVar:

NM_001145809.2(MYH14):c.6050C>T (p.Ala2017Val)

Gene: MYH14 (myosin heavy chain 14; plus strand). Cytogenetic location: 19q13.33.
Variant type: single nucleotide variant.
Coding change: c.6050C>T on transcript NM_001145809.2 (MANE Select); coding-DNA position 6050, C replaced by T.
Protein change: p.Ala2017Val; replaces alanine 2017 with valine.
Molecular consequence: missense variant.
Genome position (GRCh38, 1-based): chr19:50,309,729, C>T. VCF-style: chr19-50309729-C-T. GRCh37 (hg19) VCF-style: chr19-50812986-C-T.
Other names: c.5951C>T, p.Ala1984Val (NM_001077186.2); c.5927C>T, p.Ala1976Val (NM_024729.4); short protein forms A1976V, A1984V, A2017V.
Identifiers: ClinVar variation 3369700 (VCV003369700.1).

ClinVar aggregate classification (germline): Uncertain significance (1 of 4 stars; one submission).

gnomAD v4.1: 1 of 1,600,010 alleles (0.000062%); highest among the groups gnomAD compares: African/African-American, 0.0013%; no homozygotes.

Submission:

GeneDx
Classification: Uncertain significance. Last evaluated: 2024-02-27. Review status: criteria provided, single submitter. Criteria: GeneDx Variant Classification Process June 2021. Collection method: clinical testing. Allele origin: germline. Affected: yes.
Comment: Not observed at significant frequency in large population cohorts (gnomAD); In silico analysis supports that this missense variant does not alter protein structure/function; Has not been previously published as pathogenic or benign to our knowledge